The following is an entry in ClinVar:

NM_002353.3(TACSTD2):c.*48G>A

Gene: TACSTD2 (tumor associated calcium signal transducer 2; minus strand). Cytogenetic location: 1p32.1.
Variant type: single nucleotide variant.
Coding change: c.*48G>A on transcript NM_002353.3 (MANE Select); 48 bases downstream of the stop codon, G replaced by A.
Molecular consequence: 3 prime UTR variant.
Genome position (GRCh38, 1-based): chr1:58,576,137, C>T on the plus strand (G>A on the coding strand, the complement: TACSTD2 is on the minus strand). VCF-style: chr1-58576137-C-T. GRCh37 (hg19) VCF-style: chr1-59041809-C-T.
Identifiers: ClinVar variation 297763 (VCV000297763.6), dbSNP rs41311174, ClinGen allele CA877277.

ClinVar aggregate classification (germline): Benign. Review status: criteria provided, multiple submitters, no conflicts (2 of 4 stars). 2 submissions from 2 submitters: Benign (2). Last evaluated 2018-01-12.

Conditions:
Gelatinous droplike corneal dystrophy (GDLD). Also called: AMYLOID CORNEAL DYSTROPHY, JAPANESE TYPE. Identifiers: Orphanet 98957, MedGen C0339273, MONDO:0008777, OMIM 204870.

Allele frequency attached by ClinVar (database versions not stated): 1000 Genomes Project 0.05391; 1000 Genomes Project 30x 0.05559; TOPMed 0.07564; gnomAD 0.07694 and 0.07841; ESP Exome Variant Server 0.08500.
gnomAD v4.1: 140,377 of 1,596,804 alleles (8.8%); highest among the groups gnomAD compares: Middle Eastern, 13%; 6,675 homozygotes.

Submissions (2):

Illumina Laboratory Services, Illumina
Classification: Benign for Gelatinous droplike corneal dystrophy. Last evaluated: 2018-01-12. Review status: criteria provided, single submitter. Criteria: ICSL Variant Classification Criteria 13 December 2019. Collection method: clinical testing. Allele origin: germline.
Comment: This variant was observed in the ICSL laboratory as part of a predisposition screen in an ostensibly healthy population. It had not been previously curated by ICSL or reported in the Human Gene Mutation Database (HGMD: prior to June 1st, 2018), and was therefore a candidate for classification through an automated scoring system. Utilizing variant allele frequency, disease prevalence and penetrance estimates, and inheritance mode, an automated score was calculated to assess if this variant is too frequent to cause the disease. Based on the score and internal cut-off values, a variant classified as benign is not then subjected to further curation. The score for this variant resulted in a classification of benign for this disease.

Breakthrough Genomics
Classification: Benign. Review status: criteria provided, single submitter. Criteria: ACMG Guidelines, 2015. Collection method: not provided. Allele origin: germline. Inheritance: Autosomal recessive inheritance. Affected: yes.